The following is an entry in ClinVar:

ClinVar aggregate classification (germline): Uncertain significance (1 of 4 stars; one submission).

Submission:

CeGaT Center for Human Genetics Tuebingen
Classification: Uncertain significance. Last evaluated: 2025-01-01. Review status: criteria provided, single submitter. Criteria: CeGaT Center For Human Genetics Tuebingen Variant Classification Criteria Version 2. Collection method: clinical testing. Allele origin: germline. Affected: yes. Observed: 1 variant allele.
Comment: BRCA1: PM2, BP4

NM_007294.4(BRCA1):c.1055A>G (p.Glu352Gly)

Gene: BRCA1 (BRCA1 DNA repair associated; minus strand). Cytogenetic location: 17q21.31.
Variant type: single nucleotide variant.
Coding change: c.1055A>G on transcript NM_007294.4 (MANE Select); coding-DNA position 1055, A replaced by G.
Protein change: p.Glu352Gly; replaces glutamic acid 352 with glycine.
Molecular consequence: missense variant. On other transcripts: intron variant (137).
Genome position (GRCh38, 1-based): chr17:43,094,476, T>C on the plus strand (A>G on the coding strand, the complement: BRCA1 is on the minus strand). VCF-style: chr17-43094476-T-C. GRCh37 (hg19) VCF-style: chr17-41246493-T-C.
Other names: c.791A>G, p.Glu264Gly (NM_001407922.1, NM_001407923.1, NM_001407924.1 and 9 more transcripts); c.788A>G, p.Glu263Gly (NM_001407936.1, NM_001407930.1, NM_001407931.1 and 2 more transcripts); c.932A>G, p.Glu311Gly (NM_001407937.1, NM_001407938.1, NM_001407939.1 and 19 more transcripts); c.929A>G, p.Glu310Gly (NM_001407940.1, NM_001407941.1, NM_001407685.1 and 11 more transcripts); c.914A>G, p.Glu305Gly (NM_001407942.1, NM_001407724.1, NM_001407725.1 and 29 more transcripts); c.911A>G, p.Glu304Gly (NM_001407943.1, NM_001407743.1, NM_001407744.1 and 20 more transcripts); c.719A>G, p.Glu240Gly (NM_001407954.1, NM_001407955.1, NM_001407956.1 and 1 more transcripts); c.722A>G, p.Glu241Gly (NM_001407957.1, NM_001407946.1, NM_001407947.1 and 6 more transcripts); and 40 more; short protein forms E184G, E224G, E225G, E240G, E241G, E263G, E264G, E281G.
Identifiers: ClinVar variation 3772201 (VCV003772201.13).